The following is an entry in ClinVar:

NM_015047.3(EMC1):c.2198A>G (p.Tyr733Cys)

Genes: EMC1 (ER membrane protein complex subunit 1; minus strand), EMC1-AS1 (EMC1 antisense RNA 1; plus strand). Cytogenetic location: 1p36.13.
Variant type: single nucleotide variant.
Coding change: c.2198A>G on transcript NM_015047.3 (MANE Select); coding-DNA position 2198, A replaced by G.
Protein change: p.Tyr733Cys; replaces tyrosine 733 with cysteine.
Molecular consequence: missense variant.
Genome position (GRCh38, 1-based): chr1:19,227,317, T>C on the plus strand (A>G on the coding strand, the complement: EMC1 is on the minus strand). VCF-style: chr1-19227317-T-C. GRCh37 (hg19) VCF-style: chr1-19553811-T-C.
Other names: c.2195A>G, p.Tyr732Cys (NM_001271427.2, NM_001271428.2); c.2132A>G, p.Tyr711Cys (NM_001271429.2); c.2207A>G, p.Tyr736Cys (NM_001375820.1); c.2204A>G, p.Tyr735Cys (NM_001375821.1); short protein forms Y711C, Y732C, Y733C, Y735C, Y736C.
Identifiers: ClinVar variation 2503154 (VCV002503154.2), dbSNP rs2536696740, ClinGen allele CA338756237.
Genomic context (GRCh38, chr1:19,227,317, plus strand): 5'-CTTGTTTTCCTGATTCGAAAGCCCTTGCTGTAGACCAGACAGCTGGCTGTATGTACCTTG[T>C]AGAGCACACTGCGGTCCCCCATCACACGGCCCTGGGAATGAACGTGCTCACTGCTGCGTT-3'
Protein context (NP_055862.1, residues 723-743): GRVMGDRSVL[Tyr733Cys]KSLNPNLLAV

ClinVar aggregate classification (germline): Uncertain significance (1 of 4 stars; one submission).

Submission:

GeneDx
Classification: Uncertain significance. Last evaluated: 2024-02-14. Review status: criteria provided, single submitter. Criteria: GeneDx Variant Classification Process June 2021. Collection method: clinical testing. Allele origin: germline.
Comment: Not observed at significant frequency in large population cohorts (gnomAD); In silico analysis supports that this missense variant has a deleterious effect on protein structure/function; Has not been previously published as pathogenic or benign to our knowledge